The following is an entry in ClinVar:

ClinVar aggregate classification (germline): Uncertain significance. Review status: criteria provided, multiple submitters, no conflicts (2 of 4 stars). 2 submissions from 2 submitters: Uncertain significance (2). Last evaluated 2022-10-18.

Conditions:
Candidiasis, familial, 8 (CANDF8). Identifiers: Orphanet 1334, MedGen C3714992, MONDO:0014230, OMIM 615527.

Allele frequency attached by ClinVar (database versions not stated): gnomAD exomes 0.00003; ExAC 0.00004; TOPMed 0.00005; gnomAD 0.00009 and 0.00010.
gnomAD v4.1: 54 of 1,614,074 alleles (0.0033%); highest among the groups gnomAD compares: Admixed American, 0.017%; no homozygotes.

Submissions (2):

Labcorp Genetics (formerly Invitae), Labcorp
Classification: Uncertain significance for Candidiasis, familial, 8. Last evaluated: 2022-10-18. Review status: criteria provided, single submitter. Criteria: Invitae Variant Classification Sherloc (09022015). Collection method: clinical testing. Allele origin: germline.
Comment: This sequence change replaces proline, which is neutral and non-polar, with serine, which is neutral and polar, at codon 37 of the TRAF3IP2 protein (p.Pro37Ser). This variant is present in population databases (rs748095541, gnomAD 0.01%). This variant has not been reported in the literature in individuals affected with TRAF3IP2-related conditions. ClinVar contains an entry for this variant (Variation ID: 649481). Advanced modeling of protein sequence and biophysical properties (such as structural, functional, and spatial information, amino acid conservation, physicochemical variation, residue mobility, and thermodynamic stability) performed at Invitae indicates that this missense variant is not expected to disrupt TRAF3IP2 protein function. In summary, the available evidence is currently insufficient to determine the role of this variant in disease. Therefore, it has been classified as a Variant of Uncertain Significance.

Ambry Genetics
Classification: Uncertain significance. Last evaluated: 2021-08-13. Review status: criteria provided, single submitter. Criteria: Ambry Variant Classification Scheme 2023. Collection method: clinical testing. Allele origin: germline.

NM_147686.4(TRAF3IP2):c.109C>T (p.Pro37Ser)

Genes: TRAF3IP2 (TRAF3 interacting protein 2; minus strand), TRAF3IP2-AS1 (TRAF3IP2 antisense RNA 1; plus strand). Cytogenetic location: 6q21.
Variant type: single nucleotide variant.
Coding change: c.109C>T on transcript NM_147686.4 (MANE Select); coding-DNA position 109, C replaced by T.
Protein change: p.Pro37Ser; replaces proline 37 with serine.
Molecular consequence: missense variant.
Genome position (GRCh38, 1-based): chr6:111,591,978, G>A on the plus strand (C>T on the coding strand, the complement: TRAF3IP2 is on the minus strand). VCF-style: chr6-111591978-G-A. GRCh37 (hg19) VCF-style: chr6-111913181-G-A.
Other names: c.109C>T, p.Pro37Ser (NM_001164281.3); c.136C>T, p.Pro46Ser (NM_147200.3); c.109C>T (NM_147686.2); short protein forms P37S, P46S.
Identifiers: ClinVar variation 649481 (VCV000649481.6), dbSNP rs748095541, ClinGen allele CA3963379.
Genomic context (GRCh38, chr6:111,591,978, plus strand): 5'-AGGAATTGTGAAGCATTGTGGGTGCAGACAAGCTGTTGGGTGCCATGTTCCTTATATTTG[G>A]AGCAGGTGGTTCTGATTCCTCTTCCGGGGAATATTCTGGGATTGGTTTCAGCAACTGACT-3'
Protein context (NP_679211.2, residues 27-47): SPEEESEPPA[Pro37Ser]NIRNMAPNSL